The following is an entry in ClinVar:

ClinVar aggregate classification (germline): Uncertain significance (1 of 4 stars; one submission).

Conditions:
DICER1-related tumor predisposition. Also called: DICER1 syndrome; DICER1-related pleuropulmonary blastoma cancer predisposition syndrome. Identifiers: Orphanet 284343, MedGen C3839822, MONDO:0100216.

Submission:

Labcorp Genetics (formerly Invitae), Labcorp
Classification: Uncertain significance for DICER1-related tumor predisposition. Last evaluated: 2021-02-19. Review status: criteria provided, single submitter. Criteria: Invitae Variant Classification Sherloc (09022015). Collection method: clinical testing. Allele origin: germline.
Comment: This variant is not present in population databases (ExAC no frequency). In summary, the available evidence is currently insufficient to determine the role of this variant in disease. Therefore, it has been classified as a Variant of Uncertain Significance. Algorithms developed to predict the effect of missense changes on protein structure and function are either unavailable or do not agree on the potential impact of this missense change (SIFT: "Deleterious"; PolyPhen-2: "Probably Damaging"; Align-GVGD: "Class C0"). This variant has not been reported in the literature in individuals with DICER1-related conditions. This sequence change replaces lysine with asparagine at codon 1891 of the DICER1 protein (p.Lys1891Asn). The lysine residue is highly conserved and there is a moderate physicochemical difference between lysine and asparagine.

NM_177438.3(DICER1):c.5673A>T (p.Lys1891Asn)

Gene: DICER1 (dicer 1, ribonuclease III; minus strand). Cytogenetic location: 14q32.13.
Variant type: single nucleotide variant.
Coding change: c.5673A>T on transcript NM_177438.3 (MANE Select); coding-DNA position 5673, A replaced by T.
Protein change: p.Lys1891Asn; replaces lysine 1891 with asparagine.
Molecular consequence: missense variant. On other transcripts: 3 prime UTR variant (1).
Genome position (GRCh38, 1-based): chr14:95,090,594, T>A on the plus strand (A>T on the coding strand, the complement: DICER1 is on the minus strand). VCF-style: chr14-95090594-T-A. GRCh37 (hg19) VCF-style: chr14-95556931-T-A.
Other names: c.*20A>T (NM_001195573.1); c.5673A>T, p.Lys1891Asn (NM_001271282.3, NM_001291628.2, NM_030621.4); short protein forms K1891N.
Identifiers: ClinVar variation 1511856 (VCV001511856.9), dbSNP rs2139766434, ClinGen allele CA390863314.